The following is an entry in ClinVar:

NM_024996.7(GFM1):c.335A>G (p.Lys112Arg)

Gene: GFM1 (G elongation factor mitochondrial 1; plus strand). Cytogenetic location: 3q25.32.
Variant type: single nucleotide variant.
Coding change: c.335A>G on transcript NM_024996.7 (MANE Select); coding-DNA position 335, A replaced by G.
Protein change: p.Lys112Arg; replaces lysine 112 with arginine.
Molecular consequence: missense variant. On other transcripts: non-coding transcript variant (3), intron variant (4).
Genome position (GRCh38, 1-based): chr3:158,646,265, A>G. VCF-style: chr3-158646265-A-G. GRCh37 (hg19) VCF-style: chr3-158364054-A-G.
Other names: c.5+484A>G (NM_001374359.1, NM_001374360.1, NM_001374361.1); c.234+484A>G (NM_001374358.1); c.335A>G, p.Lys112Arg (NM_001308164.2, NM_001308166.2, NM_001374355.1 and 1 more transcripts); c.110A>G, p.Lys37Arg (NM_001374357.1); short protein forms K37R, K112R.
Identifiers: ClinVar variation 1428889 (VCV001428889.5), dbSNP rs2108001745, ClinGen allele CA355175642.
Genomic context (GRCh38, chr3:158,646,265, plus strand): 5'-TGGAACTAGAGAGACAAAGAGGAATCACTATTCAGTCAGCAGCCACTTACACCATGTGGA[A>G]AGATGTCAATATTAACATTATAGATACTCCTGGTGAGTTGGATTCTTGGTTTTATTGCAG-3'
Protein context (NP_079272.4, residues 102-122): IQSAATYTMW[Lys112Arg]DVNINIIDTP

ClinVar aggregate classification (germline): Uncertain significance (1 of 4 stars; one submission).

Submission:

Labcorp Genetics (formerly Invitae), Labcorp
Classification: Uncertain significance. Last evaluated: 2022-08-31. Review status: criteria provided, single submitter. Criteria: Invitae Variant Classification Sherloc (09022015). Collection method: clinical testing. Allele origin: germline.
Comment: This sequence change replaces lysine, which is basic and polar, with arginine, which is basic and polar, at codon 112 of the GFM1 protein (p.Lys112Arg). This variant is not present in population databases (gnomAD no frequency). This variant has not been reported in the literature in individuals affected with GFM1-related conditions. ClinVar contains an entry for this variant (Variation ID: 1428889). Advanced modeling of protein sequence and biophysical properties (such as structural, functional, and spatial information, amino acid conservation, physicochemical variation, residue mobility, and thermodynamic stability) performed at Invitae indicates that this missense variant is not expected to disrupt GFM1 protein function. In summary, the available evidence is currently insufficient to determine the role of this variant in disease. Therefore, it has been classified as a Variant of Uncertain Significance.